The following is an entry in ClinVar:

NM_206933.4(USH2A):c.3455T>A (p.Leu1152Ter)

Genes: USH2A (usherin; minus strand), USH2A-AS1 (USH2A antisense RNA 1; plus strand). Cytogenetic location: 1q41.
Variant type: single nucleotide variant.
Coding change: c.3455T>A on transcript NM_206933.4 (MANE Select); coding-DNA position 3455, T replaced by A.
Protein change: p.Leu1152Ter; replaces leucine 1152 with a stop codon.
Molecular consequence: nonsense.
Genome position (GRCh38, 1-based): chr1:216,199,983, A>T on the plus strand (T>A on the coding strand, the complement: USH2A is on the minus strand). VCF-style: chr1-216199983-A-T. GRCh37 (hg19) VCF-style: chr1-216373325-A-T.
Other names: c.3455T>A, p.Leu1152Ter (NM_007123.6); short protein forms L1152*.
Identifiers: ClinVar variation 1076931 (VCV001076931.8), dbSNP rs2034946086, ClinGen allele CA344868583.

ClinVar aggregate classification (germline): Pathogenic. Review status: criteria provided, multiple submitters, no conflicts (2 of 4 stars). 2 submissions from 2 submitters: Pathogenic (2). Last evaluated 2023-10-03.

Conditions:
USH2A-related disorder. Also called: USH2A-related condition; USH2A-related disorders. Identifiers: MedGen CN239332.

Submissions (2):

Myriad Genetics, Inc.
Classification: Pathogenic for USH2A-related disorder. Last evaluated: 2023-10-03. Review status: criteria provided, single submitter. Criteria: Myriad Autosomal Dominant, Autosomal Recessive and X-Linked Classification Criteria (2023). Collection method: clinical testing. Allele origin: unknown.
Comment: NM_206933.2(USH2A):c.3455T>A(L1152*) is expected to be pathogenic in the context of USH2A-related disorders. This variant is predicted to lead to an abnormal or absent protein product due to the creation of a premature termination codon in USH2A, a gene where loss-of-function variants are known to be pathogenic. Please note: this variant was assessed in the context of healthy population screening.

Labcorp Genetics (formerly Invitae), Labcorp
Classification: Pathogenic. Last evaluated: 2020-01-28. Review status: criteria provided, single submitter. Criteria: Invitae Variant Classification Sherloc (09022015). Collection method: clinical testing. Allele origin: germline.
Comment: For these reasons, this variant has been classified as Pathogenic. Loss-of-function variants in USH2A are known to be pathogenic (PMID: 10729113, 10909849, 20507924, 25649381). This variant has not been reported in the literature in individuals with USH2A-related conditions. This variant is not present in population databases (ExAC no frequency). This sequence change creates a premature translational stop signal (p.Leu1152*) in the USH2A gene. It is expected to result in an absent or disrupted protein product.

Literature cited by the submitters: PubMed 10729113 (cited by Labcorp Genetics (formerly Invitae), Labcorp); PubMed 10909849 (cited by Labcorp Genetics (formerly Invitae), Labcorp); PubMed 20507924 (cited by Labcorp Genetics (formerly Invitae), Labcorp); PubMed 25649381 (cited by Labcorp Genetics (formerly Invitae), Labcorp).